The following is an entry in ClinVar:

NM_024721.5(ZFHX4):c.8984T>C (p.Phe2995Ser)

Gene: ZFHX4 (zinc finger homeobox 4; plus strand). Cytogenetic location: 8q21.13.
Variant type: single nucleotide variant.
Coding change: c.8984T>C on transcript NM_024721.5 (MANE Select); coding-DNA position 8984, T replaced by C.
Protein change: p.Phe2995Ser; replaces phenylalanine 2995 with serine.
Molecular consequence: missense variant.
Genome position (GRCh38, 1-based): chr8:76,855,905, T>C. VCF-style: chr8-76855905-T-C. GRCh37 (hg19) VCF-style: chr8-77768141-T-C.
Other names: c.8906T>C, p.Phe2969Ser (NM_001410934.1); short protein forms F2995S, F2969S.
Identifiers: ClinVar variation 4731762 (VCV004731762.1).

ClinVar aggregate classification (germline): Uncertain significance (1 of 4 stars; one submission).

Submission:

Labcorp Genetics (formerly Invitae), Labcorp
Classification: Uncertain significance. Last evaluated: 2025-11-23. Review status: criteria provided, single submitter. Criteria: Invitae Variant Classification Sherloc (09022015). Collection method: clinical testing. Allele origin: germline.
Comment: This sequence change replaces phenylalanine, which is neutral and non-polar, with serine, which is neutral and polar, at codon 2995 of the ZFHX4 protein (p.Phe2995Ser). This variant is present in population databases (no rsID available, gnomAD 0.006%). This variant has not been reported in the literature in individuals affected with ZFHX4-related conditions. An algorithm developed to predict the effect of missense changes on protein structure and function (PolyPhen-2) suggests that this variant is likely to be disruptive. In summary, the available evidence is currently insufficient to determine the role of this variant in disease. Therefore, it has been classified as a Variant of Uncertain Significance.